The following is an entry in ClinVar:

NM_005502.4(ABCA1):c.63A>C (p.Gln21His)

Gene: ABCA1 (ATP binding cassette subfamily A member 1; minus strand). Cytogenetic location: 9q31.1.
Variant type: single nucleotide variant.
Coding change: c.63A>C on transcript NM_005502.4 (MANE Select); coding-DNA position 63, A replaced by C.
Protein change: p.Gln21His; replaces glutamine 21 with histidine.
Molecular consequence: missense variant.
Genome position (GRCh38, 1-based): chr9:104,903,617, T>G on the plus strand (A>C on the coding strand, the complement: ABCA1 is on the minus strand). VCF-style: chr9-104903617-T-G. GRCh37 (hg19) VCF-style: chr9-107665898-T-G.
Other names: short protein forms Q21H.
Identifiers: ClinVar variation 3268418 (VCV003268418.1).

ClinVar aggregate classification (germline): Uncertain significance (1 of 4 stars; one submission).

Conditions:
Cardiovascular phenotype. Identifiers: MedGen CN230736.

gnomAD v4.1: 7 of 1,586,772 alleles (0.00044%); highest among the groups gnomAD compares: Non-Finnish European, 0.00051%; no homozygotes.

Submission:

Ambry Genetics
Classification: Uncertain significance for Cardiovascular phenotype. Last evaluated: 2024-04-28. Review status: criteria provided, single submitter. Criteria: Ambry Variant Classification Scheme 2023. Collection method: clinical testing. Allele origin: germline.
Comment: The p.Q21H variant (also known as c.63A>C), located in coding exon 1 of the ABCA1 gene, results from an A to C substitution at nucleotide position 63. The glutamine at codon 21 is replaced by histidine, an amino acid with highly similar properties. This amino acid position is conserved. In addition, the in silico prediction for this alteration is inconclusive. Based on the available evidence, the clinical significance of this variant remains unclear.